The following is an entry in ClinVar:

ClinVar aggregate classification (germline): Uncertain significance. Review status: criteria provided, multiple submitters, no conflicts (2 of 4 stars). 2 submissions from 2 submitters: Uncertain significance (2). Last evaluated 2025-03-04.

Conditions:
Familial thoracic aortic aneurysm and aortic dissection (TAAD). Also called: Thoracic aortic aneurysms and dissections. Identifiers: Orphanet 91387, MedGen C4707243, MONDO:0019625.
Aortic aneurysm, familial thoracic 7 (AAT7). Also called: AORTIC DISSECTION, FAMILIAL, WITH OR WITHOUT AORTIC ANEURYSM. Identifiers: MedGen C3151077, MONDO:0013418, OMIM 613780.

Submissions (2):

Ambry Genetics
Classification: Uncertain significance for Familial thoracic aortic aneurysm and aortic dissection. Last evaluated: 2025-03-04. Review status: criteria provided, single submitter. Criteria: Ambry Variant Classification Scheme 2023. Collection method: clinical testing. Allele origin: germline.
Comment: The p.V634I variant (also known as c.1900G>A), located in coding exon 11 of the MYLK gene, results from a G to A substitution at nucleotide position 1900. The valine at codon 634 is replaced by isoleucine, an amino acid with highly similar properties. This amino acid position is conserved. In addition, this alteration is predicted to be tolerated by in silico analysis. Based on the available evidence, the clinical significance of this variant remains unclear.

Labcorp Genetics (formerly Invitae), Labcorp
Classification: Uncertain significance for Aortic aneurysm, familial thoracic 7. Last evaluated: 2025-01-30. Review status: criteria provided, single submitter. Criteria: Invitae Variant Classification Sherloc (09022015). Collection method: clinical testing. Allele origin: germline.
Comment: This sequence change replaces valine, which is neutral and non-polar, with isoleucine, which is neutral and non-polar, at codon 634 of the MYLK protein (p.Val634Ile). This variant is not present in population databases (gnomAD no frequency). This variant has not been reported in the literature in individuals affected with MYLK-related conditions. Invitae Evidence Modeling of protein sequence and biophysical properties (such as structural, functional, and spatial information, amino acid conservation, physicochemical variation, residue mobility, and thermodynamic stability) indicates that this missense variant is not expected to disrupt MYLK protein function with a negative predictive value of 80%. In summary, the available evidence is currently insufficient to determine the role of this variant in disease. Therefore, it has been classified as a Variant of Uncertain Significance.

NM_053025.4(MYLK):c.1900G>A (p.Val634Ile)

Gene: MYLK (myosin light chain kinase; minus strand). Cytogenetic location: 3q21.1.
Variant type: single nucleotide variant.
Coding change: c.1900G>A on transcript NM_053025.4 (MANE Select); coding-DNA position 1900, G replaced by A.
Protein change: p.Val634Ile; replaces valine 634 with isoleucine.
Molecular consequence: missense variant.
Genome position (GRCh38, 1-based): chr3:123,709,798, C>T on the plus strand (G>A on the coding strand, the complement: MYLK is on the minus strand). VCF-style: chr3-123709798-C-T. GRCh37 (hg19) VCF-style: chr3-123428645-C-T.
Other names: c.1900G>A (NM_053025.3); c.1372G>A, p.Val458Ile (NM_001321309.2); c.1693G>A, p.Val565Ile (NM_053026.4, NM_053028.4); c.1900G>A, p.Val634Ile (NM_053027.4); short protein forms V458I, V565I, V634I.
Identifiers: ClinVar variation 3729325 (VCV003729325.3).